The following continues an entry in ClinVar:

NM_000051.4(ATM):c.4060C>A (p.Pro1354Thr)

Gene: ATM. ClinVar aggregate classification (germline): Conflicting classifications of pathogenicity. Uncertain significance (9); Benign (1); Likely benign (8).

Submissions 16 to 22 of 22:

Illumina Laboratory Services, Illumina
Classification: Uncertain significance for Ataxia-telangiectasia syndrome. Last evaluated: 2017-04-27. Review status: criteria provided, single submitter. Criteria: ICSL Variant Classification Criteria 13 December 2019. Collection method: clinical testing. Allele origin: germline.
Comment: This variant was observed as part of a predisposition screen in an ostensibly healthy population. A literature search was performed for the gene, cDNA change, and amino acid change (where applicable). Publications were found based on this search. However, the evidence from the literature, in combination with allele frequency data from public databases where available, was not sufficient to rule this variant in or out of causing disease. Therefore, this variant is classified as a variant of unknown significance.

Genetic Services Laboratory, University of Chicago
Classification: Uncertain significance. Last evaluated: 2015-01-21. Review status: criteria provided, single submitter. Criteria: ACMG Guidelines, 2015. Collection method: clinical testing. Allele origin: germline.

Color Diagnostics, LLC DBA Color Health
Classification: Likely benign for Hereditary cancer-predisposing syndrome. Last evaluated: 2015-01-16. Review status: criteria provided, single submitter. Criteria: ACMG Guidelines, 2015. Collection method: clinical testing. Allele origin: germline.

Clinical Genetics DNA and cytogenetics Diagnostics Lab, Erasmus MC, Erasmus Medical Center
Classification: Likely benign. Review status: no assertion criteria provided. Collection method: clinical testing. Allele origin: germline. Affected: yes. Study: VKGL Data-share Consensus. Not counted in ClinVar's aggregate classification.

Department of Pathology and Laboratory Medicine, Sinai Health System
Classification: Likely benign for Malignant tumor of breast. Review status: no assertion criteria provided. Collection method: clinical testing. Allele origin: unknown. Affected: yes. Observed: 2 variant alleles. Study: The Canadian Open Genetics Repository (COGR). Not counted in ClinVar's aggregate classification.
Comment: The ATM p.Pro1354Thr variant was identified in a large-scale case control study in 1 of 5062 proband chromosomes (frequency: 0.0002) from individuals or families with breast cancer and was present in 1 of 4490 control chromosomes (frequency: 0.0002) from healthy individuals (Tavtigian-2009). The variant was identified in dbSNP (ID: rs145119475) as â€šÃ„ÃºWith Uncertain significanceâ€šÃ„Ã¹ allele, ClinVar (classified as uncertain significance by GeneDx, Ambry Genetics, Invitae and University of Chicago). The variant was not identified in Cosmic, MutDB, LOVD 3.0, and ATM-LOVD databases. The variant was identified in control databases in 50 of 274452 chromosomes at a frequency of 0.0002 increasing the likelihood that this may be a low frequency variant in certain populations of origin (Genome Aggregation Consortium Feb 27, 2017) including 45 of 124128 European chromosomes and 1 of 6442 â€šÃ„Ãºotherâ€šÃ„Ã¹ chromosomes. The p.Pro1354Thr residue is not conserved in mammals, the threonine amino acid is found in mouse, African clawed frog, and zebrafish; and four out of five computational analyses (PolyPhen-2, SIFT, AlignGVGD, BLOSUM, MutationTaster) do not suggest a high likelihood of impact to the protein; however, this information is not predictive enough to rule out pathogenicity. The variant occurs outside of the splicing consensus sequence and in silico or computational prediction software programs (SpliceSiteFinder, MaxEntScan, NNSPLICE, GeneSplicer, HumanSpliceFinder) do not predict a difference in splicing. In summary, based on the above information the clinical significance of this variant cannot be determined with certainty at this time although we would lean towards a more benign role for this variant. This variant is classified as likely benign.

Genome Diagnostics Laboratory, University Medical Center Utrecht
Classification: Likely benign. Review status: no assertion criteria provided. Collection method: clinical testing. Allele origin: germline. Affected: yes. Study: VKGL Data-share Consensus. Not counted in ClinVar's aggregate classification.

Joint Genome Diagnostic Labs from Nijmegen and Maastricht, Radboudumc and MUMC+
Classification: Likely benign. Review status: no assertion criteria provided. Collection method: clinical testing. Allele origin: germline. Affected: yes. Study: VKGL Data-share Consensus. Not counted in ClinVar's aggregate classification.

Literature cited by the submitters: PubMed 21787400 (cited by 3 submitters); PubMed 19781682 (cited by 5 submitters); PubMed 20305132 (cited by 5 submitters); PubMed 26689913 (cited by 3 submitters); PubMed 27913932 (cited by 4 submitters); PubMed 28652578 (cited by 5 submitters); PubMed 30262796 (cited by 4 submitters); PubMed 31422574 (cited by Women's Health and Genetics/Laboratory Corporation of America, LabCorp and Athena Diagnostics); PubMed 31658756 (cited by Women's Health and Genetics/Laboratory Corporation of America, LabCorp and Ambry Genetics); PubMed 32854451 (cited by 4 submitters); PubMed 34299313 (cited by Women's Health and Genetics/Laboratory Corporation of America, LabCorp and Athena Diagnostics); PubMed 35047863 (cited by Women's Health and Genetics/Laboratory Corporation of America, LabCorp); PubMed 25085752 (cited by Myriad Genetics, Inc.); PubMed 33280026 (cited by Athena Diagnostics and Ambry Genetics); PubMed 31920950 (cited by Athena Diagnostics); PubMed 28779002 (cited by 4 submitters); PubMed 29522266 (cited by 4 submitters); PubMed 33471991 (cited by Sema4).